The following is an entry in ClinVar:

NM_000536.4(RAG2):c.921G>A (p.Trp307Ter)

Gene: RAG2 (recombination activating 2; minus strand). Cytogenetic location: 11p12.
Variant type: single nucleotide variant.
Coding change: c.921G>A on transcript NM_000536.4 (MANE Select); coding-DNA position 921, G replaced by A.
Protein change: p.Trp307Ter; replaces tryptophan 307 with a stop codon.
Molecular consequence: nonsense.
Genome position (GRCh38, 1-based): chr11:36,593,248, C>T on the plus strand (G>A on the coding strand, the complement: RAG2 is on the minus strand). VCF-style: chr11-36593248-C-T. GRCh37 (hg19) VCF-style: chr11-36614798-C-T.
Other names: c.921G>A, p.Trp307Ter (NM_001243785.2, NM_001243786.2); short protein forms W307*.
Identifiers: ClinVar variation 3599589 (VCV003599589.2).

ClinVar aggregate classification (germline): Pathogenic. Review status: criteria provided, multiple submitters, no conflicts (2 of 4 stars). 2 submissions from 2 submitters: Pathogenic (2). Last evaluated 2025-10-06.

Conditions:
Histiocytic medullary reticulosis. Also called: SEVERE COMBINED IMMUNODEFICIENCY WITH HYPEREOSINOPHILIA; Omenn syndrome. Identifiers: Orphanet 39041, MedGen C2700553, MONDO:0011338, OMIM 603554.
Severe combined immunodeficiency, autosomal recessive, T cell-negative, B cell-negative, NK cell-positive. Also called: SCID, T CELL-NEGATIVE, B CELL-NEGATIVE, NK CELL-POSITIVE; SCID, AR, T-cell negative, B-cell negative, NK cell-positive; Severe combined immunodeficiency due to complete RAG1/2 deficiency. Identifiers: Orphanet 331206, MedGen C1832322, MONDO:0011086, OMIM 601457.
Combined immunodeficiency with skin granulomas. Identifiers: Orphanet 157949, MedGen C2673536, MONDO:0009306, OMIM 233650.

Submissions (2):

Labcorp Genetics (formerly Invitae), Labcorp
Classification: Pathogenic for Combined immunodeficiency with skin granulomas; Severe combined immunodeficiency, autosomal recessive, T cell-negative, B cell-negative, NK cell-positive. Last evaluated: 2025-10-06. Review status: criteria provided, single submitter. Criteria: Invitae Variant Classification Sherloc (09022015). Collection method: clinical testing. Allele origin: germline.
Comment: This sequence change creates a premature translational stop signal (p.Trp307*) in the RAG2 gene. While this is not anticipated to result in nonsense mediated decay, it is expected to disrupt the last 221 amino acid(s) of the RAG2 protein. This variant is not present in population databases (gnomAD no frequency). This premature translational stop signal has been observed in individual(s) with severe combined immunodeficiency (PMID: 11133745). ClinVar contains an entry for this variant (Variation ID: 3599589). This variant disrupts a region of the RAG2 protein in which other variant(s) (p.Trp317Cys) have been determined to be pathogenic (internal data). This suggests that this is a clinically significant region of the protein, and that variants that disrupt it are likely to be disease-causing. For these reasons, this variant has been classified as Pathogenic.

Fulgent Genetics
Classification: Pathogenic for Combined immunodeficiency with skin granulomas; Severe combined immunodeficiency, autosomal recessive, T cell-negative, B cell-negative, NK cell-positive; Histiocytic medullary reticulosis. Last evaluated: 2024-04-17. Review status: criteria provided, single submitter. Criteria: ACMG Guidelines, 2015. Collection method: clinical testing. Allele origin: germline.

Literature cited by the submitters: PubMed 11133745 (cited by Labcorp Genetics (formerly Invitae), Labcorp).